The following is an entry in ClinVar:

NM_004655.4(AXIN2):c.1883G>T (p.Arg628Leu)

Gene: AXIN2 (axin 2; minus strand). Cytogenetic location: 17q24.1.
Variant type: single nucleotide variant.
Coding change: c.1883G>T on transcript NM_004655.4 (MANE Select); coding-DNA position 1883, G replaced by T.
Protein change: p.Arg628Leu; replaces arginine 628 with leucine.
Molecular consequence: missense variant. On other transcripts: intron variant (1).
Genome position (GRCh38, 1-based): chr17:65,536,893, C>A on the plus strand (G>T on the coding strand, the complement: AXIN2 is on the minus strand). VCF-style: chr17-65536893-C-A. GRCh37 (hg19) VCF-style: chr17-63533011-C-A.
Other names: c.1883G>T (NM_004655.3); c.1713-340G>T (NM_001363813.1); short protein forms R628L.
Identifiers: ClinVar variation 1387136 (VCV001387136.10), dbSNP rs2043931823, ClinGen allele CA400676417.

ClinVar aggregate classification (germline): Uncertain significance. Review status: criteria provided, multiple submitters, no conflicts (2 of 4 stars). 2 submissions from 2 submitters: Uncertain significance (2). Last evaluated 2025-11-13.

Conditions:
Hereditary cancer-predisposing syndrome. Also called: Neoplastic Syndromes, Hereditary; Tumor predisposition; Hereditary neoplastic syndrome; Hereditary Cancer Syndrome. Identifiers: Orphanet 140162, MedGen C0027672, MeSH D009386, MONDO:0015356.
Oligodontia-cancer predisposition syndrome. Also called: TOOTH AGENESIS-COLORECTAL CANCER SYNDROME. Identifiers: Orphanet 300576, MedGen C1837750, MONDO:0012075, OMIM 608615. Disease mechanism: loss of function.

gnomAD v4.1: 1 of 1,613,448 alleles (0.000062%); highest among the groups gnomAD compares: Admixed American, 0.0017%; no homozygotes.

Submissions (2):

Ambry Genetics
Classification: Uncertain significance for Hereditary cancer-predisposing syndrome. Last evaluated: 2025-11-13. Review status: criteria provided, single submitter. Criteria: Ambry Variant Classification Scheme 2023. Collection method: clinical testing. Allele origin: germline.
Comment: The p.R628L variant (also known as c.1883G>T), located in coding exon 6 of the AXIN2 gene, results from a G to T substitution at nucleotide position 1883. The arginine at codon 628 is replaced by leucine, an amino acid with dissimilar properties. This amino acid position is well conserved in available vertebrate species. In addition, the in silico prediction for this alteration is inconclusive. Based on the available evidence, the clinical significance of this variant remains unclear.

Labcorp Genetics (formerly Invitae), Labcorp
Classification: Uncertain significance for Oligodontia-cancer predisposition syndrome. Last evaluated: 2022-09-21. Review status: criteria provided, single submitter. Criteria: Invitae Variant Classification Sherloc (09022015). Collection method: clinical testing. Allele origin: germline.
Comment: In summary, the available evidence is currently insufficient to determine the role of this variant in disease. Therefore, it has been classified as a Variant of Uncertain Significance. Advanced modeling of protein sequence and biophysical properties (such as structural, functional, and spatial information, amino acid conservation, physicochemical variation, residue mobility, and thermodynamic stability) performed at Invitae indicates that this missense variant is expected to disrupt AXIN2 protein function. ClinVar contains an entry for this variant (Variation ID: 1387136). This variant has not been reported in the literature in individuals affected with AXIN2-related conditions. This variant is not present in population databases (gnomAD no frequency). This sequence change replaces arginine, which is basic and polar, with leucine, which is neutral and non-polar, at codon 628 of the AXIN2 protein (p.Arg628Leu).